The following is an entry in ClinVar:

ClinVar aggregate classification (germline): Uncertain significance (1 of 4 stars; one submission).

Conditions:
Developmental and epileptic encephalopathy, 36 (DEE36). Also called: Congenital disorder of glycosylation, type Is; ALG13-CDG; Epileptic encephalopathy, early infantile, 36. Identifiers: Orphanet 324422, MedGen C4317295, MONDO:0010472, OMIM 300884.

Allele frequency attached by ClinVar (database versions not stated): gnomAD 0.00001; TOPMed 0.00001.

Submission:

Labcorp Genetics (formerly Invitae), Labcorp
Classification: Uncertain significance for Developmental and epileptic encephalopathy, 36. Last evaluated: 2024-06-18. Review status: criteria provided, single submitter. Criteria: Invitae Variant Classification Sherloc (09022015). Collection method: clinical testing. Allele origin: germline.
Comment: This sequence change replaces leucine, which is neutral and non-polar, with valine, which is neutral and non-polar, at codon 130 of the ALG13 protein (p.Leu130Val). This variant is present in population databases (no rsID available, gnomAD 0.01%). This variant has not been reported in the literature in individuals affected with ALG13-related conditions. ClinVar contains an entry for this variant (Variation ID: 862507). An algorithm developed to predict the effect of missense changes on protein structure and function (PolyPhen-2) suggests that this variant is likely to be tolerated. In summary, the available evidence is currently insufficient to determine the role of this variant in disease. Therefore, it has been classified as a Variant of Uncertain Significance.

NM_001099922.3(ALG13):c.388C>G (p.Leu130Val)

Gene: ALG13 (ALG13 UDP-N-acetylglucosaminyltransferase subunit; plus strand). Cytogenetic location: Xq23.
Variant type: single nucleotide variant.
Coding change: c.388C>G on transcript NM_001099922.3 (MANE Select); coding-DNA position 388, C replaced by G.
Protein change: p.Leu130Val; replaces leucine 130 with valine.
Molecular consequence: missense variant. On other transcripts: non-coding transcript variant (1).
Genome position (GRCh38, 1-based): chrX:111,708,031, C>G. VCF-style: chrX-111708031-C-G. GRCh37 (hg19) VCF-style: chrX-110951259-C-G.
Other names: c.76C>G, p.Leu26Val (NM_001257230.2, NM_001257234.2, NM_001257237.2 and 1 more transcripts); c.154C>G, p.Leu52Val (NM_001257231.2); c.388C>G, p.Leu130Val (NM_001324292.2); short protein forms L26V, L130V, L52V.
Identifiers: ClinVar variation 862507 (VCV000862507.10), dbSNP rs1381653955, ClinGen allele CA414249204.